The following is an entry in ClinVar:

NM_015450.3(POT1):c.-153-9del

Gene: POT1 (protection of telomeres 1; minus strand). Cytogenetic location: 7q31.33.
Variant type: Deletion.
Coding change: c.-153-9del on transcript NM_015450.3 (MANE Select); 9 bases into the intron before 153 bases upstream of the start codon, one base deleted (T; older notation c.-153-9delT).
Molecular consequence: intron variant.
Genome position (GRCh38, 1-based): chr7:124,898,383, A deleted on the plus strand (T on the coding strand, the reverse complement: POT1 is on the minus strand); the first of 10 consecutive A bases (chr7:124,898,383-124,898,392); deleting any one gives the same sequence. VCF-style (leftmost placement, unchanged base first): chr7-124898382-GA-G. GRCh37 (hg19) VCF-style: chr7-124538436-GA-G.
Other names: c.-415-9del (NM_001042594.2).
Identifiers: ClinVar variation 678875 (VCV000678875.3), dbSNP rs57468586, ClinGen allele CA166099377.

ClinVar aggregate classification (germline): Benign. Review status: criteria provided, multiple submitters, no conflicts (2 of 4 stars). 4 submissions from 4 submitters: Benign (2). 2 of the submissions do not count toward it. Last evaluated 2019-12-09.

Conditions:
Hereditary cancer-predisposing syndrome. Also called: Neoplastic Syndromes, Hereditary; Tumor predisposition; Hereditary neoplastic syndrome; Hereditary Cancer Syndrome. Identifiers: Orphanet 140162, MedGen C0027672, MeSH D009386, MONDO:0015356.

Submissions (4):

Sema4
Classification: Benign for Hereditary cancer-predisposing syndrome. Last evaluated: 2019-12-09. Review status: criteria provided, single submitter. Criteria: Sema4 Curation Guidelines. Collection method: curation. Allele origin: germline.

GeneDx
Classification: Benign. Last evaluated: 2018-06-12. Review status: criteria provided, single submitter. Criteria: GeneDx Variant Classification (06012015). Collection method: clinical testing. Allele origin: germline. Affected: yes.
Comment: This variant is considered likely benign or benign based on one or more of the following criteria: it is a conservative change, it occurs at a poorly conserved position in the protein, it is predicted to be benign by multiple in silico algorithms, and/or has population frequency not consistent with disease.

Clinical Genetics DNA and cytogenetics Diagnostics Lab, Erasmus MC, Erasmus Medical Center
Classification: Likely benign. Review status: no assertion criteria provided. Collection method: clinical testing. Allele origin: germline. Affected: yes. Study: VKGL Data-share Consensus. Not counted in ClinVar's aggregate classification.

Genome Diagnostics Laboratory, University Medical Center Utrecht
Classification: Likely benign. Review status: no assertion criteria provided. Collection method: clinical testing. Allele origin: germline. Affected: yes. Study: VKGL Data-share Consensus. Not counted in ClinVar's aggregate classification.